The following is an entry in ClinVar:

NM_001130009.3(GEN1):c.1084G>A (p.Glu362Lys)

Gene: GEN1 (GEN1 structure-specific endonuclease; plus strand). Cytogenetic location: 2p24.2.
Variant type: single nucleotide variant.
Coding change: c.1084G>A on transcript NM_001130009.3 (MANE Select); coding-DNA position 1084, G replaced by A.
Protein change: p.Glu362Lys; replaces glutamic acid 362 with lysine.
Molecular consequence: missense variant.
Genome position (GRCh38, 1-based): chr2:17,774,283, G>A. VCF-style: chr2-17774283-G-A. GRCh37 (hg19) VCF-style: chr2-17955550-G-A.
Other names: c.1084G>A, p.Glu362Lys (NM_182625.5); short protein forms E362K.
Identifiers: ClinVar variation 1450573 (VCV001450573.6), dbSNP rs2125151812, ClinGen allele CA345919949.

ClinVar aggregate classification (germline): Uncertain significance (1 of 4 stars; one submission).

Submission:

Labcorp Genetics (formerly Invitae), Labcorp
Classification: Uncertain significance. Last evaluated: 2022-11-08. Review status: criteria provided, single submitter. Criteria: Invitae Variant Classification Sherloc (09022015). Collection method: clinical testing. Allele origin: germline.
Comment: This variant has not been reported in the literature in individuals affected with GEN1-related conditions. In summary, the available evidence is currently insufficient to determine the role of this variant in disease. Therefore, it has been classified as a Variant of Uncertain Significance. Algorithms developed to predict the effect of sequence changes on RNA splicing suggest that this variant may disrupt the consensus splice site. Algorithms developed to predict the effect of missense changes on protein structure and function are either unavailable or do not agree on the potential impact of this missense change (SIFT: "Tolerated"; PolyPhen-2: "Possibly Damaging"; Align-GVGD: "Class C0"). ClinVar contains an entry for this variant (Variation ID: 1450573). This variant is not present in population databases (gnomAD no frequency). This sequence change replaces glutamic acid, which is acidic and polar, with lysine, which is basic and polar, at codon 362 of the GEN1 protein (p.Glu362Lys).